The following is an entry in ClinVar:

NM_015412.4(RMP64):c.889G>A (p.Val297Ile)

Gene: RMP64 (ribonuclease MRP subunit p64; minus strand). Cytogenetic location: 3q13.2.
Variant type: single nucleotide variant.
Coding change: c.889G>A on transcript NM_015412.4 (MANE Select); coding-DNA position 889, G replaced by A.
Protein change: p.Val297Ile; replaces valine 297 with isoleucine.
Molecular consequence: missense variant. On other transcripts: non-coding transcript variant (1).
Genome position (GRCh38, 1-based): chr3:113,011,069, C>T on the plus strand (G>A on the coding strand, the complement: RMP64 is on the minus strand). VCF-style: chr3-113011069-C-T. GRCh37 (hg19) VCF-style: chr3-112729916-C-T.
Other names: c.679G>A, p.Val227Ile (NM_001319109.2); c.388G>A, p.Val130Ile (NM_001319110.2); c.280G>A, p.Val94Ile (NM_001319111.2); c.556G>A, p.Val186Ile (NM_001319112.2); c.481G>A, p.Val161Ile (NM_001319114.2); c.598G>A, p.Val200Ile (NM_001319115.2); short protein forms V130I, V161I, V186I, V200I, V227I, V297I, V94I.
Identifiers: ClinVar variation 1176781 (VCV001176781.35), dbSNP rs115971253, ClinGen allele CA2542058.
Genomic context (GRCh38, chr3:113,011,069, plus strand): 5'-TTTTACTAGAGTATGTGCTGTATCAAAGCAAATTACCTTTGAAGACTCTCTTATTCTTTA[C>T]TGGCTGTCCAAGATCCACATTATTCTGTACATTGATCTTCATTTGTTTAGCTTTTTTTGA-3'
Protein context (NP_056227.2, residues 287-307): VQNNVDLGQP[Val297Ile]KNKRVFKEES

ClinVar aggregate classification (germline): Likely benign (1 of 4 stars; one submission).

Allele frequency attached by ClinVar (database versions not stated): 1000 Genomes Project 0.00140; 1000 Genomes Project 30x 0.00156; gnomAD exomes 0.00394 and 0.00548; ExAC 0.00398; TOPMed 0.00415; ESP Exome Variant Server 0.00500; gnomAD 0.00512 and 0.00528.
gnomAD v4.1: 8,609 of 1,601,718 alleles (0.54%); highest among the groups gnomAD compares: Non-Finnish European, 0.67%; 52 homozygotes.

Submission:

CeGaT Center for Human Genetics Tuebingen
Classification: Likely benign. Last evaluated: 2026-08-01. Review status: criteria provided, single submitter. Criteria: CeGaT Center For Human Genetics Tuebingen Variant Classification Criteria Version 2. Collection method: clinical testing. Allele origin: germline. Affected: yes. Observed: 6 variant alleles.
Comment: RMP64: BP4, BS2